The following is an entry in ClinVar:

NM_033026.6(PCLO):c.562G>T (p.Glu188Ter)

Gene: PCLO (piccolo presynaptic cytomatrix protein; minus strand). Cytogenetic location: 7q21.11.
Variant type: single nucleotide variant.
Coding change: c.562G>T on transcript NM_033026.6 (MANE Select); coding-DNA position 562, G replaced by T.
Protein change: p.Glu188Ter; replaces glutamic acid 188 with a stop codon.
Molecular consequence: nonsense.
Genome position (GRCh38, 1-based): chr7:83,156,079, C>A on the plus strand (G>T on the coding strand, the complement: PCLO is on the minus strand). VCF-style: chr7-83156079-C-A. GRCh37 (hg19) VCF-style: chr7-82785395-C-A.
Other names: c.562G>T, p.Glu188Ter (NM_014510.3); short protein forms E188*.
Identifiers: ClinVar variation 2100326 (VCV002100326.4), dbSNP rs2484906256, ClinGen allele CA367920572.

ClinVar aggregate classification (germline): Pathogenic (1 of 4 stars; one submission).

Submission:

Labcorp Genetics (formerly Invitae), Labcorp
Classification: Pathogenic. Last evaluated: 2022-02-20. Review status: criteria provided, single submitter. Criteria: Invitae Variant Classification Sherloc (09022015). Collection method: clinical testing. Allele origin: germline.
Comment: This sequence change creates a premature translational stop signal (p.Glu188*) in the PCLO gene. It is expected to result in an absent or disrupted protein product. Loss-of-function variants in PCLO are known to be pathogenic (PMID: 25832664, 30287594). This variant is not present in population databases (gnomAD no frequency). This variant has not been reported in the literature in individuals affected with PCLO-related conditions. For these reasons, this variant has been classified as Pathogenic.

Literature cited by the submitters: PubMed 25832664; PubMed 30287594.